The following is an entry in ClinVar:

NC_000016.9:g.(?_1642157)_(1657267_?)dup

Gene: IFT140 (intraflagellar transport 140; minus strand). Cytogenetic location: 16p13.3.
Variant type: Duplication.
Identifiers: ClinVar variation 3243431 (VCV003243431.1).

ClinVar aggregate classification (germline): Uncertain significance (1 of 4 stars; one submission).

Conditions:
Saldino-Mainzer syndrome (SRTD9). Also called: CONORENAL SYNDROME; Renal dysplasia, retinal pigmentary dystrophy, cerebellar ataxia and skeletal dysplasia; SHORT-RIB THORACIC DYSPLASIA 9 WITHOUT POLYDACTYLY; short-rib thoracic dysplasia 9 with or without polydactyly. Identifiers: Orphanet 140969, MedGen C1849437, MONDO:0009964, OMIM 266920.

Submission:

Labcorp Genetics (formerly Invitae), Labcorp
Classification: Uncertain significance for Saldino-Mainzer syndrome. Last evaluated: 2023-08-17. Review status: criteria provided, single submitter. Criteria: Invitae Variant Classification Sherloc (09022015). Collection method: clinical testing. Allele origin: unknown.
Comment: In summary, the available evidence is currently insufficient to determine the role of this variant in disease. Therefore, it has been classified as a Variant of Uncertain Significance. This variant has not been reported in the literature in individuals affected with IFT140-related conditions. This variant results in a copy number gain of the genomic region encompassing exon(s) 3-6 of the IFT140 gene. This region includes the initiator codon of the gene. This copy number gain extends beyond the assayed region for this gene and therefore may encompass additional genes. As the precise location of this event is unknown, it may be in tandem or it may be located elsewhere in the genome.